The following is an entry in ClinVar:

NM_024422.6(DSC2):c.1680G>A (p.Thr560=)

Gene: DSC2 (desmocollin 2; minus strand). Cytogenetic location: 18q12.1.
Variant type: single nucleotide variant.
Coding change: c.1680G>A on transcript NM_024422.6 (MANE Select); coding-DNA position 1680, G replaced by A.
Protein change: p.Thr560=; no amino-acid change (threonine 560 retained).
Molecular consequence: synonymous variant.
Genome position (GRCh38, 1-based): chr18:31,074,891, C>T on the plus strand (G>A on the coding strand, the complement: DSC2 is on the minus strand). VCF-style: chr18-31074891-C-T. GRCh37 (hg19) VCF-style: chr18-28654857-C-T.
Other names: p.Thr560=; c.1680G>A, p.Thr560= (NM_004949.5).
Identifiers: ClinVar variation 163186 (VCV000163186.48), dbSNP rs567202599, ClinGen allele CA022525.
Genomic context (GRCh38, chr18:31,074,891, plus strand): 5'-CTTTTTAGGTATGAATGGGCTGTTATCATTCACGTCTTGAAGTATAATGCCCAGTGTCCC[C>T]GTACATGTTCTCCCTCCTAGAAAAATGAAAATAAAAATAGTTTTTCTATGTTTTGAGTTT-3'
Protein context (NP_077740.1, residues 550-570): LASDQGGRTC[Thr560=]GTLGIILQDV

ClinVar aggregate classification (germline): Benign/Likely benign. Review status: criteria provided, multiple submitters, no conflicts (2 of 4 stars). 12 submissions from 12 submitters: Benign (5); Likely benign (7). Last evaluated 2026-01-14.

Conditions:
DSC2-related disorder. Also called: DSC2-related condition.
Cardiovascular phenotype. Identifiers: MedGen CN230736.
Familial isolated arrhythmogenic right ventricular dysplasia. Identifiers: Orphanet 217656, MedGen C4274968, MONDO:0016342.
Cardiomyopathy (CMYO). Also called: Cardiomyopathies. Identifiers: Orphanet 167848, MedGen C0878544, MONDO:0004994, HP:0001638. Inheritance: Various modes of inheritance.
Arrhythmogenic right ventricular dysplasia 11. Also called: Arrhythmogenic Right Ventricular Dysplasia/Cardiomyopathy11; ARRHYTHMOGENIC RIGHT VENTRICULAR DYSPLASIA, FAMILIAL, 11; Arrhythmogenic right ventricular dysplasia 11 with mild palmoplantar keratoderma and woolly hair. Identifiers: MedGen C1864850, MONDO:0012506, OMIM 610476.

Allele frequency attached by ClinVar (database versions not stated): gnomAD 0.00002 and 0.00008; TOPMed 0.00005; gnomAD exomes 0.00014 and 0.00029; ExAC 0.00032.
gnomAD v4.1: 212 of 1,613,596 alleles (0.013%); highest among the groups gnomAD compares: South Asian, 0.19%; 2 homozygotes.

Submissions (12):

Labcorp Genetics (formerly Invitae), Labcorp
Classification: Benign for Arrhythmogenic right ventricular dysplasia 11. Last evaluated: 2026-01-14. Review status: criteria provided, single submitter. Criteria: Invitae Variant Classification Sherloc (09022015). Collection method: clinical testing. Allele origin: germline.

Mayo Clinic Laboratories, Mayo Clinic
Classification: Likely benign. Last evaluated: 2025-09-11. Review status: criteria provided, single submitter. Criteria: ACMG Guidelines, 2015. Collection method: clinical testing. Allele origin: germline. Observed: 1 variant allele.
Comment: BS1, BP4, BP7

Women's Health and Genetics/Laboratory Corporation of America, LabCorp
Classification: Benign. Last evaluated: 2024-12-06. Review status: criteria provided, single submitter. Criteria: LabCorp Variant Classification Summary - May 2015. Collection method: clinical testing. Allele origin: germline.

PreventionGenetics, part of Exact Sciences
Classification: Likely benign for DSC2-related condition. Last evaluated: 2024-10-25. Review status: criteria provided, single submitter. Criteria: ACMG Guidelines, 2015. Collection method: clinical testing. Allele origin: germline.
Comment: This variant is classified as likely benign based on ACMG/AMP sequence variant interpretation guidelines (Richards et al. 2015 PMID: 25741868, with internal and published modifications).

Blueprint Genetics
Classification: Likely benign. Last evaluated: 2024-07-15. Review status: criteria provided, single submitter. Criteria: ACMG Guidelines, 2015. Collection method: clinical testing. Allele origin: germline.

CeGaT Center for Human Genetics Tuebingen
Classification: Likely benign. Last evaluated: 2024-07-01. Review status: criteria provided, single submitter. Criteria: CeGaT Center For Human Genetics Tuebingen Variant Classification Criteria Version 2. Collection method: clinical testing. Allele origin: germline. Affected: yes. Observed: 3 variant alleles.
Comment: DSC2: BP4, BP7

All of Us Research Program, National Institutes of Health
Classification: Benign for Familial isolated arrhythmogenic right ventricular dysplasia. Last evaluated: 2024-02-05. Review status: criteria provided, single submitter. Criteria: ACMG Guidelines, 2015. Collection method: clinical testing. Allele origin: germline. Inheritance: Autosomal dominant inheritance. Observed: 17 variant alleles, 17 heterozygotes.
Comment: This study involves interpretation of variants in research participants for the purpose of population health screening. Participant phenotype was not available at the time of variant classification. Additional details can be found in publication PMID: 35346344, PMCID: PMC8962531

Phosphorus, Inc.
Classification: Likely benign. Last evaluated: 2022-01-13. Review status: criteria provided, single submitter. Criteria: ACMG Guidelines, 2015. Collection method: clinical testing. Allele origin: germline. Inheritance: Autosomal dominant inheritance.
Comment: This synonymous variant has an entry in ClinVar (163186) NM_024422.6 (DSC2): c.1680G>A (p.Thr560=) and has occurred in GnomAD with a total MAF of 0.0298% and highest MAF of 0.1890% in the South Asian population. This position is not conserved. In silico splicing algorithm was unavailable, however it is not predicted to impact splicing due to its distance from the splice site. No functional studies were performed to confirm this prediction. The variant has not occurred in literature associated with disease. Considering the above evidence, this variant has been classified as Likely Benign.

Color Diagnostics, LLC DBA Color Health
Classification: Benign for Cardiomyopathy. Last evaluated: 2018-06-25. Review status: criteria provided, single submitter. Criteria: ACMG Guidelines, 2015. Collection method: clinical testing. Allele origin: germline.

GeneDx
Classification: Benign. Last evaluated: 2017-05-11. Review status: criteria provided, single submitter. Criteria: GeneDx Variant Classification (06012015). Collection method: clinical testing. Allele origin: germline. Affected: yes.
Comment: This variant is considered likely benign or benign based on one or more of the following criteria: it is a conservative change, it occurs at a poorly conserved position in the protein, it is predicted to be benign by multiple in silico algorithms, and/or has population frequency not consistent with disease.

Ambry Genetics
Classification: Likely benign for Cardiovascular phenotype. Last evaluated: 2016-07-21. Review status: criteria provided, single submitter. Criteria: Ambry Variant Classification Scheme 2023. Collection method: clinical testing. Allele origin: germline.

Laboratory for Molecular Medicine, Mass General Brigham Personalized Medicine
Classification: Likely benign. Last evaluated: 2014-04-17. Review status: criteria provided, single submitter. Criteria: LMM Criteria. Collection method: clinical testing. Allele origin: germline. Observed: 1 variant allele.
Comment: Thr560Thr in exon 12 of DSC2: This variant is not expected to have clinical sig nificance because it does not alter an amino acid residue and is not located wit hin the splice consensus sequence.